The following is an entry in ClinVar:

ClinVar aggregate classification (germline): Pathogenic (1 of 4 stars; one submission).

Conditions:
Hereditary cancer-predisposing syndrome. Also called: Neoplastic Syndromes, Hereditary; Tumor predisposition; Hereditary Cancer Syndrome; Hereditary neoplastic syndrome. Identifiers: Orphanet 140162, MedGen C0027672, MeSH D009386, MONDO:0015356.

Submission:

Color Diagnostics, LLC DBA Color Health
Classification: Pathogenic for Hereditary cancer-predisposing syndrome. Last evaluated: 2020-01-15. Review status: criteria provided, single submitter. Criteria: ACMG Guidelines, 2015. Collection method: clinical testing. Allele origin: germline.
Comment: This variant is located in the PALB2 protein. Splice site prediction tools suggest that this variant may not impact RNA splicing. This variant has not been identified in the general population by the Genome Aggregation Database (gnomAD). Loss of PALB2 function is a known mechanism of disease. Based on the available evidence, this variant is classified as Pathogenic.

NM_024675.4(PALB2):c.33_36dup (p.Glu13Ter)

Gene: PALB2 (partner and localizer of BRCA2; minus strand). Cytogenetic location: 16p12.2.
Variant type: Duplication.
Coding change: c.33_36dup on transcript NM_024675.4 (MANE Select); coding-DNA positions 33 to 36, 4 bases duplicated (TGAG; older notation c.33_36dupTGAG).
Protein change: p.Glu13Ter; replaces glutamic acid 13 with a stop codon.
Molecular consequence: nonsense.
Genome position (GRCh38, 1-based): chr16:23,641,122-23,641,125, CTCA duplicated on the plus strand (TGAG on the coding strand, the reverse complement: PALB2 is on the minus strand); duplicating any 4 consecutive bases within chr16:23,641,122-23,641,126 gives the same sequence; the c. name uses the placement nearest the transcript's 3' end. VCF-style (leftmost placement, unchanged base first): chr16-23641121-C-CCTCA. GRCh37 (hg19) VCF-style: chr16-23652442-C-CCTCA.
Other names: short protein forms E13*.
Identifiers: ClinVar variation 921370 (VCV000921370.3), dbSNP rs1967232172, ClinGen allele CA1139664629.